The following is an entry in ClinVar:

ClinVar aggregate classification (germline): Likely benign. Review status: criteria provided, multiple submitters, no conflicts (2 of 4 stars). 2 submissions from 2 submitters: Likely benign (2). Last evaluated 2018-06-14.

Allele frequency attached by ClinVar (database versions not stated): 1000 Genomes Project 30x 0.00297; 1000 Genomes Project 0.00300; TOPMed 0.00655; gnomAD 0.00698 and 0.00704; gnomAD exomes 0.00914.

Submissions (2):

GeneDx
Classification: Likely benign. Last evaluated: 2018-06-14. Review status: criteria provided, single submitter. Criteria: GeneDx Variant Classification (06012015). Collection method: clinical testing. Allele origin: germline. Affected: yes.
Comment: This variant is considered likely benign or benign based on one or more of the following criteria: it is a conservative change, it occurs at a poorly conserved position in the protein, it is predicted to be benign by multiple in silico algorithms, and/or has population frequency not consistent with disease.

Breakthrough Genomics
Classification: Likely benign. Review status: criteria provided, single submitter. Criteria: ACMG Guidelines, 2015. Collection method: not provided. Allele origin: germline. Inheritance: Autosomal recessive inheritance. Affected: yes.

NM_017882.3(CLN6):c.84-81C>T

Gene: CLN6 (CLN6 transmembrane ER protein; minus strand). Cytogenetic location: 15q23.
Variant type: single nucleotide variant.
Coding change: c.84-81C>T on transcript NM_017882.3 (MANE Select); 81 bases into the intron before coding-DNA position 84, C replaced by T.
Molecular consequence: intron variant.
Genome position (GRCh38, 1-based): chr15:68,218,731, G>A on the plus strand (C>T on the coding strand, the complement: CLN6 is on the minus strand). VCF-style: chr15-68218731-G-A. GRCh37 (hg19) VCF-style: chr15-68511069-G-A.
Identifiers: ClinVar variation 673506 (VCV000673506.2), dbSNP rs117298614, ClinGen allele CA272390415.